The following is an entry in ClinVar:

NM_172166.4(MSH5):c.261T>G (p.Leu87=)

Genes: MSH5 (mutS homolog 5; plus strand), MSH5-SAPCD1 (MSH5-SAPCD1 readthrough (NMD candidate); plus strand). Cytogenetic location: 6p21.33.
Variant type: single nucleotide variant.
Coding change: c.261T>G on transcript NM_172166.4 (MANE Select); coding-DNA position 261, T replaced by G.
Protein change: p.Leu87=; no amino-acid change (leucine 87 retained).
Molecular consequence: synonymous variant. On other transcripts: non-coding transcript variant (1).
Genome position (GRCh38, 1-based): chr6:31,741,276, T>G. VCF-style: chr6-31741276-T-G. GRCh37 (hg19) VCF-style: chr6-31709053-T-G.
Other names: c.261T>G, p.Leu87= (NM_002441.5, NM_025259.6, NM_172165.4).
Identifiers: ClinVar variation 3033693 (VCV003033693.9), dbSNP rs777790620, ClinGen allele CA3720910.

ClinVar aggregate classification (germline): Likely benign. Review status: criteria provided, single submitter (1 of 4 stars). 2 submissions from 2 submitters: Likely benign (1). 1 of the submissions does not count toward it. Last evaluated 2025-03-01.

Conditions:
MSH5-related disorder. Also called: MSH5-related condition.

Allele frequency attached by ClinVar (database versions not stated): TOPMed 0.00005; ExAC 0.00008; gnomAD 0.00005; gnomAD exomes 0.00005.
gnomAD v4.1: 83 of 1,611,332 alleles (0.0052%); highest among the groups gnomAD compares: Middle Eastern, 0.016%; no homozygotes.

Submissions (2):

CeGaT Center for Human Genetics Tuebingen
Classification: Likely benign. Last evaluated: 2025-03-01. Review status: criteria provided, single submitter. Criteria: CeGaT Center For Human Genetics Tuebingen Variant Classification Criteria Version 2. Collection method: clinical testing. Allele origin: germline. Affected: yes. Observed: 1 variant allele.
Comment: MSH5: BP4, BP7

PreventionGenetics, part of Exact Sciences
Classification: Likely benign for MSH5-related condition. Last evaluated: 2019-06-14. Review status: no assertion criteria provided. Collection method: clinical testing. Allele origin: germline. Not counted in ClinVar's aggregate classification.
Comment: This variant is classified as likely benign based on ACMG/AMP sequence variant interpretation guidelines (Richards et al. 2015 PMID: 25741868, with internal and published modifications).